The following is an entry in ClinVar:

ClinVar aggregate classification (germline): Likely pathogenic. Review status: criteria provided, multiple submitters, no conflicts (2 of 4 stars). 2 submissions from 2 submitters: Likely pathogenic (2). Last evaluated 2025-11-28.

Conditions:
Cardiovascular phenotype. Identifiers: MedGen CN230736.
Autosomal recessive limb-girdle muscular dystrophy type 2J (LGMDR10). Also called: Limb-girdle muscular dystrophy, type 2J; MUSCULAR DYSTROPHY, LIMB-GIRDLE, AUTOSOMAL RECESSIVE 10. Identifiers: Orphanet 140922, MedGen C1837342, MONDO:0012127, OMIM 608807.
Dilated cardiomyopathy 1G (CMD1G). Identifiers: Orphanet 154, MedGen C1858763, MONDO:0011400, OMIM 604145.

Submissions (2):

Labcorp Genetics (formerly Invitae), Labcorp
Classification: Likely pathogenic for Dilated cardiomyopathy 1G; Autosomal recessive limb-girdle muscular dystrophy type 2J. Last evaluated: 2025-11-28. Review status: criteria provided, single submitter. Criteria: Invitae Variant Classification Sherloc (09022015). Collection method: clinical testing. Allele origin: germline.
Comment: This sequence change creates a premature translational stop signal (p.Glu23206*) in the TTN gene. While this is not anticipated to result in nonsense mediated decay, it is expected to create a truncated TTN protein. This variant is not present in population databases (gnomAD no frequency). This premature translational stop signal has been observed in individual(s) with dilated cardiomyopathy (internal data). Algorithms developed to predict the effect of sequence changes on RNA splicing suggest that this variant may disrupt the consensus splice site. This variant is located in the A band of TTN (PMID: 25589632). Truncating variants in this region are significantly overrepresented in patients affected with dilated cardiomyopathy (PMID: 25589632). Truncating variants in this region have also been reported in individuals affected with autosomal recessive centronuclear myopathy (PMID: 23975875). In summary, the currently available evidence indicates that the variant is pathogenic, but additional data are needed to prove that conclusively. Therefore, this variant has been classified as Likely Pathogenic.

Ambry Genetics
Classification: Likely pathogenic for Cardiovascular phenotype. Last evaluated: 2025-09-16. Review status: criteria provided, single submitter. Criteria: Ambry Variant Classification Scheme 2023. Collection method: clinical testing. Allele origin: germline.
Comment: The p.E14141* variant (also known as c.42421G>T), located in coding exon 152 of the TTN gene, results from a G to T substitution at nucleotide position 42421. This changes the amino acid from a glutamic acid to a stop codon within coding exon 152. This exon is located in the A-band region of the N2-B isoform of the titin protein and is constitutively expressed in TTN transcripts (percent spliced in or PSI 100%). This variant is expected to result in loss of function by premature protein truncation or nonsense-mediated mRNA decay. While truncating variants in TTN are present in 1-3% of the general population, truncating variants in the A-band are the most common cause of dilated cardiomyopathy (Herman DS et al. N. Engl. J. Med., 2012 Feb;366:619-28; Roberts AM et al. Sci Transl Med, 2015 Jan;7:270ra6). TTN truncating variants encoded in constitutive exons (PSI >90%) have been found to be significantly associated with DCM regardless of their position in titin (Schafer S et al. Nat. Genet., 2017 01;49:46-53; Akhtar MM et al. Circ Heart Fail, 2020 Oct;13:e006832; Massier M et al. Clin Genet, 2025 Jan). This variant is considered to be rare based on population cohorts in the Genome Aggregation Database (gnomAD). Based on the majority of available evidence to date, this variant is likely to be pathogenic.

Literature cited by the submitters: PubMed 25589632 (cited by Labcorp Genetics (formerly Invitae), Labcorp); PubMed 23975875 (cited by Labcorp Genetics (formerly Invitae), Labcorp).

NM_001267550.2(TTN):c.69616G>T (p.Glu23206Ter)

Genes: TTN (titin; minus strand), TTN-AS1 (TTN antisense RNA 1; plus strand), LOC126806422 (BRD4-independent group 4 enhancer GRCh37_chr2:179440205-179441404; plus strand). Cytogenetic location: 2q31.2.
Variant type: single nucleotide variant.
Coding change: c.69616G>T on transcript NM_001267550.2 (MANE Select); coding-DNA position 69616, G replaced by T.
Protein change: p.Glu23206Ter; replaces glutamic acid 23206 with a stop codon.
Molecular consequence: nonsense.
Genome position (GRCh38, 1-based): chr2:178,576,628, C>A on the plus strand (G>T on the coding strand, the complement: TTN is on the minus strand). VCF-style: chr2-178576628-C-A. GRCh37 (hg19) VCF-style: chr2-179441355-C-A.
Other names: c.64693G>T, p.Glu21565Ter (NM_001256850.1); c.42421G>T, p.Glu14141Ter (NM_003319.4); c.61912G>T, p.Glu20638Ter (NM_133378.4); c.42796G>T, p.Glu14266Ter (NM_133432.3); c.42997G>T, p.Glu14333Ter (NM_133437.4); short protein forms E14141*, E23206*, E14266*, E14333*, E20638*, E21565*.
Identifiers: ClinVar variation 4615296 (VCV004615296.2).